The following is an entry in ClinVar:

NM_001369.3(DNAH5):c.13753C>T (p.Pro4585Ser)

Gene: DNAH5 (dynein axonemal heavy chain 5; minus strand). Cytogenetic location: 5p15.2.
Variant type: single nucleotide variant.
Coding change: c.13753C>T on transcript NM_001369.3 (MANE Select); coding-DNA position 13753, C replaced by T.
Protein change: p.Pro4585Ser; replaces proline 4585 with serine.
Molecular consequence: missense variant.
Genome position (GRCh38, 1-based): chr5:13,692,106, G>A on the plus strand (C>T on the coding strand, the complement: DNAH5 is on the minus strand). VCF-style: chr5-13692106-G-A. GRCh37 (hg19) VCF-style: chr5-13692215-G-A.
Other names: short protein forms P4585S.
Identifiers: ClinVar variation 2008808 (VCV002008808.4), dbSNP rs760428177, ClinGen allele CA359188728.
Genomic context (GRCh38, chr5:13,692,106, plus strand): 5'-TCCTGAGATCCACAGCGGCAATGTAGTTCAAGTCCGTTCGAACTGGCTTCTTATAGATGG[G>A]ACAGGAGTAAAACCGAGGATCTCGTAAAGCTACAAAAAACATAAAAGAAAAGAACTTGGT-3'
Protein context (NP_001360.1, residues 4575-4595): TLRDPRFYSC[Pro4585Ser]IYKKPVRTDL

ClinVar aggregate classification (germline): Uncertain significance (1 of 4 stars; one submission).

Conditions:
Primary ciliary dyskinesia. Also called: Ciliary dyskinesia. Identifiers: Orphanet 244, MedGen C0008780, MONDO:0016575, HP:0012265.

Submission:

Labcorp Genetics (formerly Invitae), Labcorp
Classification: Uncertain significance for Primary ciliary dyskinesia. Last evaluated: 2022-06-21. Review status: criteria provided, single submitter. Criteria: Invitae Variant Classification Sherloc (09022015). Collection method: clinical testing. Allele origin: germline.
Comment: In summary, the available evidence is currently insufficient to determine the role of this variant in disease. Therefore, it has been classified as a Variant of Uncertain Significance. Algorithms developed to predict the effect of missense changes on protein structure and function are either unavailable or do not agree on the potential impact of this missense change (SIFT: "Deleterious"; PolyPhen-2: "Possibly Damaging"; Align-GVGD: "Class C0"). This variant has not been reported in the literature in individuals affected with DNAH5-related conditions. This variant is not present in population databases (gnomAD no frequency). This sequence change replaces proline, which is neutral and non-polar, with serine, which is neutral and polar, at codon 4585 of the DNAH5 protein (p.Pro4585Ser).